The following is an entry in ClinVar:

ClinVar aggregate classification (germline): Benign. Review status: criteria provided, single submitter (1 of 4 stars). 3 submissions from 3 submitters: Benign (1). 2 of the submissions do not count toward it. Last evaluated 2024-12-06.

Conditions:
Mucolipidosis type II. Also called: Mucolipidosis 2; ML 2; Inclusion cell disease; Leroy Disease; N-acetylglucosamine 1phosphotransferase deficiency; ML disorder type 2. Identifiers: Orphanet 576, MedGen C2673377, MONDO:0009650, OMIM 252500.
Pseudo-Hurler polydystrophy. Also called: ML IIIA; Mucolipidosis III Alpha/Beta; MUCOLIPIDOSIS IIIA; ML III; ML III ALPHA/BETA; Type III Mucolipidosis. Identifiers: Orphanet 423461, Orphanet 577, MedGen C0033788, MONDO:0018931, OMIM 252600.
GNPTAB-Related Disorders. Also called: GNPTAB-related disorder; GNPTAB-related condition. Identifiers: MedGen CN381523.

Submissions (3):

Labcorp Genetics (formerly Invitae), Labcorp
Classification: Benign for Pseudo-Hurler polydystrophy; Mucolipidosis type II. Last evaluated: 2024-12-06. Review status: criteria provided, single submitter. Criteria: Invitae Variant Classification Sherloc (09022015). Collection method: clinical testing. Allele origin: germline.

PreventionGenetics, part of Exact Sciences
Classification: Likely benign for GNPTAB-related condition. Last evaluated: 2021-03-30. Review status: no assertion criteria provided. Collection method: clinical testing. Allele origin: germline. Not counted in ClinVar's aggregate classification.
Comment: This variant is classified as likely benign based on ACMG/AMP sequence variant interpretation guidelines (Richards et al. 2015 PMID: 25741868, with internal and published modifications).

Natera, Inc.
Classification: Uncertain significance for Mucolipidosis type II. Last evaluated: 2020-04-17. Review status: no assertion criteria provided. Collection method: clinical testing. Allele origin: germline. Not counted in ClinVar's aggregate classification.

NM_024312.5(GNPTAB):c.1114-14GTT[2]

Gene: GNPTAB (N-acetylglucosamine-1-phosphate transferase subunits alpha and beta; minus strand). Cytogenetic location: 12q23.2.
Variant type: Microsatellite.
Coding change: c.1114-14GTT[2] on transcript NM_024312.5 (MANE Select); two copies in a row of the 3-base unit GTT starting at c.1114-14; the reference has three copies in a row; one copy, 3 bases deleted.
Molecular consequence: intron variant.
Genome position (GRCh38, 1-based): chr12:101,770,197-101,770,199, AAC deleted on the plus strand (GTT on the coding strand, the reverse complement: GNPTAB is on the minus strand); deleting any 3 consecutive bases within chr12:101,770,197-101,770,207 gives the same sequence; the position shown is the placement nearest the transcript's 3' end. VCF-style (leftmost placement, unchanged base first): chr12-101770196-TAAC-T. GRCh37 (hg19) VCF-style: chr12-102163974-TAAC-T.
Other names: c.1114-8_1114-6delGTT (NM_024312.5, NM_024312.4).
Identifiers: ClinVar variation 991285 (VCV000991285.11), dbSNP rs758859457, ClinGen allele CA6746695.